The following is an entry in ClinVar:

ClinVar aggregate classification (germline): Uncertain significance. Review status: criteria provided, multiple submitters, no conflicts (2 of 4 stars). 3 submissions from 3 submitters: Uncertain significance (3). Last evaluated 2025-01-28.

Conditions:
Hereditary nonpolyposis colorectal neoplasms. Identifiers: MedGen C0009405, MeSH D003123.
Hereditary cancer-predisposing syndrome. Also called: Neoplastic Syndromes, Hereditary; Tumor predisposition; Hereditary Cancer Syndrome; Hereditary neoplastic syndrome. Identifiers: Orphanet 140162, MedGen C0027672, MeSH D009386, MONDO:0015356.

Submissions (3):

Labcorp Genetics (formerly Invitae), Labcorp
Classification: Uncertain significance for Hereditary nonpolyposis colorectal neoplasms. Last evaluated: 2025-01-28. Review status: criteria provided, single submitter. Criteria: Invitae Variant Classification Sherloc (09022015). Collection method: clinical testing. Allele origin: germline.
Comment: This sequence change replaces serine, which is neutral and polar, with threonine, which is neutral and polar, at codon 287 of the MSH6 protein (p.Ser287Thr). This variant is not present in population databases (gnomAD no frequency). This variant has not been reported in the literature in individuals affected with MSH6-related conditions. ClinVar contains an entry for this variant (Variation ID: 233270). Invitae Evidence Modeling of protein sequence and biophysical properties (such as structural, functional, and spatial information, amino acid conservation, physicochemical variation, residue mobility, and thermodynamic stability) indicates that this missense variant is not expected to disrupt MSH6 protein function with a negative predictive value of 95%. In summary, the available evidence is currently insufficient to determine the role of this variant in disease. Therefore, it has been classified as a Variant of Uncertain Significance.

Color Diagnostics, LLC DBA Color Health
Classification: Uncertain significance for Hereditary cancer-predisposing syndrome. Last evaluated: 2025-01-19. Review status: criteria provided, single submitter. Criteria: ACMG Guidelines, 2015. Collection method: clinical testing. Allele origin: germline.
Comment: This missense variant replaces serine with threonine at codon 287 of the MSH6 protein. Computational prediction suggests that this variant may not impact protein structure and function (internally defined REVEL score threshold <= 0.5, PMID: 27666373). To our knowledge, functional studies have not been reported for this variant. This variant has not been reported in individuals affected with MSH6-related disorders in the literature. This variant has not been identified in the general population by the Genome Aggregation Database (gnomAD). The available evidence is insufficient to determine the role of this variant in disease conclusively. Therefore, this variant is classified as a Variant of Uncertain Significance.

Ambry Genetics
Classification: Uncertain significance for Hereditary cancer-predisposing syndrome. Last evaluated: 2023-12-27. Review status: criteria provided, single submitter. Criteria: Ambry Variant Classification Scheme 2023. Collection method: clinical testing. Allele origin: germline.
Comment: The p.S287T variant (also known as c.860G>C), located in coding exon 4 of the MSH6 gene, results from a G to C substitution at nucleotide position 860. The serine at codon 287 is replaced by threonine, an amino acid with similar properties. This amino acid position is not well conserved in available vertebrate species. In addition, this alteration is predicted to be tolerated by in silico analysis. Since supporting evidence is limited at this time, the clinical significance of this alteration remains unclear.

NM_000179.3(MSH6):c.860G>C (p.Ser287Thr)

Gene: MSH6 (mutS homolog 6; plus strand). Cytogenetic location: 2p16.3.
Variant type: single nucleotide variant.
Coding change: c.860G>C on transcript NM_000179.3 (MANE Select); coding-DNA position 860, G replaced by C.
Protein change: p.Ser287Thr; replaces serine 287 with threonine.
Molecular consequence: missense variant. On other transcripts: 5 prime UTR variant (2).
Genome position (GRCh38, 1-based): chr2:47,798,843, G>C. VCF-style: chr2-47798843-G-C. GRCh37 (hg19) VCF-style: chr2-48025982-G-C.
Other names: c.470G>C, p.Ser157Thr (NM_001281492.2); c.-47G>C (NM_001281493.2, NM_001281494.2); short protein forms S287T, S157T.
Identifiers: ClinVar variation 233270 (VCV000233270.15), dbSNP rs876660299, ClinGen allele CA10578049.